The following is an entry in ClinVar:

NM_033380.3(COL4A5):c.4654_4655insA (p.Pro1552fs)

Gene: COL4A5 (collagen type IV alpha 5 chain; plus strand). Cytogenetic location: Xq22.3.
Variant type: Insertion.
Coding change: c.4654_4655insA on transcript NM_033380.3 (MANE Select); coding-DNA positions 4654 to 4655, A inserted.
Protein change: p.Pro1552fs; shifts the reading frame from proline 1552.
Molecular consequence: frameshift variant.
Genome position: GRCh38 VCF-style: chrX-108692873-C-CA. GRCh37 (hg19) VCF-style: chrX-107936103-C-CA.
Other names: c.4636_4637insA, p.Pro1546fs (NM_000495.5); short protein forms P1552fs, P1546fs.
Identifiers: ClinVar variation 1412124 (VCV001412124.6), dbSNP rs2147998652, ClinGen allele CA2573159121.

ClinVar aggregate classification (germline): Pathogenic (1 of 4 stars; one submission).

Submission:

Labcorp Genetics (formerly Invitae), Labcorp
Classification: Pathogenic. Last evaluated: 2023-09-11. Review status: criteria provided, single submitter. Criteria: Invitae Variant Classification Sherloc (09022015). Collection method: clinical testing. Allele origin: germline.
Comment: For these reasons, this variant has been classified as Pathogenic. ClinVar contains an entry for this variant (Variation ID: 1412124). This variant has not been reported in the literature in individuals affected with COL4A5-related conditions. This variant is not present in population databases (gnomAD no frequency). This sequence change creates a premature translational stop signal (p.Pro1546Hisfs*17) in the COL4A5 gene. It is expected to result in an absent or disrupted protein product. Loss-of-function variants in COL4A5 are known to be pathogenic (PMID: 9195222, 10752524, 14514738, 24854265, 26809805).

Literature cited by the submitters: PubMed 9195222; PubMed 10752524; PubMed 14514738; PubMed 24854265; PubMed 26809805.